The following is an entry in ClinVar:

ClinVar aggregate classification (germline): Conflicting classifications of pathogenicity. Review status: criteria provided, conflicting classifications (1 of 4 stars). 2 submissions from 2 submitters: Uncertain significance (1); Likely benign (1). Last evaluated 2022-06-03.

Conditions:
Inborn genetic diseases. Identifiers: MedGen C0950123, MeSH D030342.
Intellectual developmental disorder, autosomal dominant 53. Also called: Intellectual disability, autosomal dominant 53; MENTAL RETARDATION, AUTOSOMAL DOMINANT 53. Identifiers: MedGen C4540481, MONDO:0030919, OMIM 617798.

Allele frequency attached by ClinVar (database versions not stated): gnomAD 0.00004; TOPMed 0.00006; ExAC 0.00011; gnomAD exomes 0.00012; ESP Exome Variant Server 0.00024.
gnomAD v4.1: 179 of 1,571,782 alleles (0.011%); highest among the groups gnomAD compares: Non-Finnish European, 0.015%; 1 homozygote.

Submissions (2):

Pittsburgh Clinical Genomics Laboratory, University of Pittsburgh Medical Center
Classification: Uncertain significance for Intellectual developmental disorder, autosomal dominant 53. Last evaluated: 2022-06-03. Review status: criteria provided, single submitter. Criteria: ACMG Guidelines, 2015. Collection method: clinical testing. Allele origin: germline. Inheritance: Autosomal dominant inheritance. Affected: yes.
Comment: This sequence variant is a single nucleotide substitution (A>G) at position 235 of the coding sequence of the CAMK2A gene that results in an isoleucine to valine amino acid change at residue 79 of the CAMK2A protein. The Ile79 residue falls in the kise domain (PMID: 29560374), which plays a critical role in CAMK2A's role in neurol plasticity. This variant is absent from online datasets of clinically annotated variants (ClinVar) but is present in control population datasets (gnomAD database, 11 of 216,362 alleles, 0.005%). To our knowledge, this variant has not been observed in individuals with CAMK2A-related disorders in the published literature. Multiple bioinformatic tools predict that this isoleucine to valine amino acid change would be damaging, and the Ile79 residue is strongly conserved across the vertebrate species examined. Studies examining the functiol consequence of this variant have not been published, to our knowledge. At this time, there is insufficient evidence to determine if this variant is pathogenic or benign. Therefore, we consider this a variant of uncertain significance. ACMG Criteria: PM1, PP2, PP3

Ambry Genetics
Classification: Likely benign for Inborn genetic diseases. Last evaluated: 2022-05-04. Review status: criteria provided, single submitter. Criteria: Ambry Variant Classification Scheme 2023. Collection method: clinical testing. Allele origin: germline.

Literature cited by the submitters: PubMed 29560374 (cited by Pittsburgh Clinical Genomics Laboratory, University of Pittsburgh Medical Center).

NM_015981.4(CAMK2A):c.235A>G (p.Ile79Val)

Gene: CAMK2A (calcium/calmodulin dependent protein kinase II alpha; minus strand). Cytogenetic location: 5q32.
Variant type: single nucleotide variant.
Coding change: c.235A>G on transcript NM_015981.4 (MANE Select); coding-DNA position 235, A replaced by G.
Protein change: p.Ile79Val; replaces isoleucine 79 with valine.
Molecular consequence: missense variant.
Genome position (GRCh38, 1-based): chr5:150,257,600, T>C on the plus strand (A>G on the coding strand, the complement: CAMK2A is on the minus strand). VCF-style: chr5-150257600-T-C. GRCh37 (hg19) VCF-style: chr5-149637163-T-C.
Other names: c.235A>G, p.Ile79Val (NM_001363989.1, NM_001363990.1, NM_001369025.2 and 1 more transcripts); short protein forms I79V.
Identifiers: ClinVar variation 2211805 (VCV002211805.3), dbSNP rs202107716, ClinGen allele CA3509921.